The following is an entry in ClinVar:

ClinVar aggregate classification (germline): Uncertain significance. Review status: criteria provided, multiple submitters, no conflicts (2 of 4 stars). 4 submissions from 4 submitters: Uncertain significance (4). Last evaluated 2026-03-26.

Conditions:
SLC24A1-related disorder. Also called: SLC24A1-related condition.
Inborn genetic diseases. Identifiers: MedGen C0950123, MeSH D030342.

Allele frequency attached by ClinVar (database versions not stated): gnomAD exomes 0.00001; TOPMed 0.00001; gnomAD 0.00002.
gnomAD v4.1: 9 of 1,613,942 alleles (0.00056%); highest among the groups gnomAD compares: African/African-American, 0.0013%; no homozygotes.

Submissions (4):

PreventionGenetics, part of Exact Sciences
Classification: Uncertain significance for SLC24A1-related condition. Last evaluated: 2026-03-26. Review status: criteria provided, single submitter. Criteria: ACMG Guidelines, 2015. Collection method: clinical testing. Allele origin: germline.
Comment: The SLC24A1 c.1625C>G variant is predicted to result in the amino acid substitution p.Thr542Ser. To our knowledge, this variant has not been reported in the literature. This variant is reported in 0.0041% of alleles in individuals of African descent in gnomAD. At this time, the clinical significance of this variant is uncertain due to the absence of conclusive functional and genetic evidence.

Labcorp Genetics (formerly Invitae), Labcorp
Classification: Uncertain significance. Last evaluated: 2022-08-16. Review status: criteria provided, single submitter. Criteria: Invitae Variant Classification Sherloc (09022015). Collection method: clinical testing. Allele origin: germline.
Comment: This sequence change replaces threonine, which is neutral and polar, with serine, which is neutral and polar, at codon 542 of the SLC24A1 protein (p.Thr542Ser). This variant is present in population databases (rs779095435, gnomAD 0.004%). This variant has not been reported in the literature in individuals affected with SLC24A1-related conditions. ClinVar contains an entry for this variant (Variation ID: 1014815). Algorithms developed to predict the effect of missense changes on protein structure and function are either unavailable or do not agree on the potential impact of this missense change (SIFT: "Tolerated"; PolyPhen-2: "Possibly Damaging"; Align-GVGD: "Class C0"). Algorithms developed to predict the effect of sequence changes on RNA splicing suggest that this variant may create or strengthen a splice site. In summary, the available evidence is currently insufficient to determine the role of this variant in disease. Therefore, it has been classified as a Variant of Uncertain Significance.

Ambry Genetics
Classification: Uncertain significance for Inborn genetic diseases. Last evaluated: 2022-08-02. Review status: criteria provided, single submitter. Criteria: Ambry Variant Classification Scheme 2023. Collection method: clinical testing. Allele origin: germline.

Blueprint Genetics
Classification: Uncertain significance. Last evaluated: 2019-01-04. Review status: criteria provided, single submitter. Criteria: ACMG Guidelines, 2015. Collection method: clinical testing. Allele origin: germline.

NM_004727.3(SLC24A1):c.1625C>G (p.Thr542Ser)

Gene: SLC24A1 (solute carrier family 24 member 1; plus strand). Cytogenetic location: 15q22.31.
Variant type: single nucleotide variant.
Coding change: c.1625C>G on transcript NM_004727.3 (MANE Select); coding-DNA position 1625, C replaced by G.
Protein change: p.Thr542Ser; replaces threonine 542 with serine.
Molecular consequence: missense variant.
Genome position (GRCh38, 1-based): chr15:65,625,705, C>G. VCF-style: chr15-65625705-C-G. GRCh37 (hg19) VCF-style: chr15-65918043-C-G.
Other names: c.1625C>G (NM_004727.2); c.1625C>G, p.Thr542Ser (NM_001301031.1, NM_001301032.1, NM_001301033.2); short protein forms T542S.
Identifiers: ClinVar variation 1014815 (VCV001014815.6), dbSNP rs779095435, ClinGen allele CA271588927.
Genomic context (GRCh38, chr15:65,625,705, plus strand): 5'-ACGTGGGCATTGGTACCATTGTGGGCTCTGCTGTGTTCAACATTCTCTTTGTCATTGGCA[C>G]TTGTTCCCTCTTCTCCCGAGAGATCCTCAACCTCACCTGGTGGCCCTTATTCCGTGATGT-3'
Protein context (NP_004718.1, residues 532-552): AVFNILFVIG[Thr542Ser]CSLFSREILN